The following is an entry in ClinVar:

NM_153240.5(NPHP3):c.105G>A (p.Lys35=)

Genes: NPHP3 (nephrocystin 3; minus strand), NPHP3-ACAD11 (NPHP3-ACAD11 readthrough (NMD candidate); minus strand), NPHP3-AS1 (NPHP3 antisense RNA 1; plus strand), LOC129937586 (ATAC-STARR-seq lymphoblastoid silent region 14743; plus strand). Cytogenetic location: 3q22.1.
Variant type: single nucleotide variant.
Coding change: c.105G>A on transcript NM_153240.5 (MANE Select); coding-DNA position 105, G replaced by A.
Protein change: p.Lys35=; no amino-acid change (lysine 35 retained).
Molecular consequence: synonymous variant. On other transcripts: non-coding transcript variant (3).
Genome position (GRCh38, 1-based): chr3:132,722,251, C>T on the plus strand (G>A on the coding strand, the complement: NPHP3 is on the minus strand). VCF-style: chr3-132722251-C-T. GRCh37 (hg19) VCF-style: chr3-132441095-C-T.
Other names: p.Lys35=.
Identifiers: ClinVar variation 193504 (VCV000193504.55), dbSNP rs377060857, ClinGen allele CA239038.

ClinVar aggregate classification (germline): Conflicting classifications of pathogenicity. Review status: criteria provided, conflicting classifications (1 of 4 stars). 14 submissions from 12 submitters: Uncertain significance (1); Benign (1); Likely benign (9). 3 of the submissions do not count toward it. Last evaluated 2026-01-27.

Conditions:
Kidney disorder. Also called: renal disease; Nephropathy; renal disorder; Kidney disease; Kidney Diseases. Identifiers: MedGen C0022658, MONDO:0005240, HP:0000112.
Nephronophthisis. Also called: Juvenile Nephronophthisis. Identifiers: Orphanet 655, MedGen C0687120, MONDO:0019005, HP:0000090.
Nephronophthisis 3 (NPHP3). Also called: Adolescent nephronophthisis. Identifiers: Orphanet 655, MedGen C1858392, MONDO:0011456, OMIM 604387.
NPHP3-related Meckel-like syndrome. Also called: GOLDSTON SYNDROME; Meckel syndrome type 7. Identifiers: Orphanet 3032, MedGen C2673885, MONDO:0009966, OMIM 267010.
Renal-hepatic-pancreatic dysplasia 1 (RHPD1). Identifiers: MedGen C3715199, MONDO:0008833, OMIM 208540.

Allele frequency attached by ClinVar (database versions not stated): gnomAD 0.00085 and 0.00100; ESP Exome Variant Server 0.00089; TOPMed 0.00095; gnomAD exomes 0.00108 and 0.00159; 1000 Genomes Project 0.00160; 1000 Genomes Project 30x 0.00187; ExAC 0.00201.

Submissions (14):

Labcorp Genetics (formerly Invitae), Labcorp
Classification: Benign for Nephronophthisis. Last evaluated: 2026-01-27. Review status: criteria provided, single submitter. Criteria: Invitae Variant Classification Sherloc (09022015). Collection method: clinical testing. Allele origin: germline.

CeGaT Center for Human Genetics Tuebingen
Classification: Likely benign. Last evaluated: 2026-01-01. Review status: criteria provided, single submitter. Criteria: CeGaT Center For Human Genetics Tuebingen Variant Classification Criteria Version 2. Collection method: clinical testing. Allele origin: germline. Affected: yes. Observed: 4 variant alleles.
Comment: NPHP3: BP4, BP7

Mayo Clinic Laboratories, Mayo Clinic
Classification: Likely benign. Last evaluated: 2025-05-10. Review status: criteria provided, single submitter. Criteria: ACMG Guidelines, 2015. Collection method: clinical testing. Allele origin: germline. Observed: 2 variant alleles.
Comment: BP4, BP7

Blueprint Genetics
Classification: Likely benign. Last evaluated: 2024-11-26. Review status: criteria provided, single submitter. Criteria: ACMG Guidelines, 2015. Collection method: clinical testing. Allele origin: germline.

Genome Diagnostics Laboratory, The Hospital for Sick Children
Classification: Likely benign for Kidney disorder. Last evaluated: 2022-09-07. Review status: criteria provided, single submitter. Criteria: ACMG Guidelines, 2015. Collection method: clinical testing. Allele origin: germline.

GeneDx
Classification: Likely benign. Last evaluated: 2021-04-26. Review status: criteria provided, single submitter. Criteria: GeneDx Variant Classification Process June 2021. Collection method: clinical testing. Allele origin: germline. Affected: yes.

Illumina Laboratory Services, Illumina
Classification: Likely benign for Renal-hepatic-pancreatic dysplasia 1. Last evaluated: 2018-01-13. Review status: criteria provided, single submitter. Criteria: ICSL Variant Classification Criteria 13 December 2019. Collection method: clinical testing. Allele origin: germline.
Comment: This variant was observed in the ICSL laboratory as part of a predisposition screen in an ostensibly healthy population. It had not been previously curated by ICSL or reported in the Human Gene Mutation Database (HGMD: prior to June 1st, 2018), and was therefore a candidate for classification through an automated scoring system. Utilizing variant allele frequency, disease prevalence and penetrance estimates, and inheritance mode, an automated score was calculated to assess if this variant is too frequent to cause the disease. Based on the score and internal cut-off values, a variant classified as likely benign is not then subjected to further curation. The score for this variant resulted in a classification of likely benign for this disease.

Illumina Laboratory Services, Illumina
Classification: Uncertain significance for NPHP3-related Meckel-like syndrome. Last evaluated: 2018-01-13. Review status: criteria provided, single submitter. Criteria: ICSL Variant Classification Criteria 13 December 2019. Collection method: clinical testing. Allele origin: germline.

Illumina Laboratory Services, Illumina
Classification: Likely benign for Nephronophthisis 3. Last evaluated: 2018-01-13. Review status: criteria provided, single submitter. Criteria: ICSL Variant Classification Criteria 13 December 2019. Collection method: clinical testing. Allele origin: germline.
Comment: the same text as in the submission from Illumina Laboratory Services, Illumina above.

Eurofins Ntd Llc (ga)
Classification: Likely benign. Last evaluated: 2017-01-03. Review status: criteria provided, single submitter. Criteria: EGL Classification Definitions 2015. Collection method: clinical testing. Allele origin: germline. Observed: 2 variant alleles, 2 heterozygotes.

Genetic Services Laboratory, University of Chicago
Classification: Likely benign. Last evaluated: 2016-01-13. Review status: criteria provided, single submitter. Criteria: ACMG Guidelines, 2015. Collection method: clinical testing. Allele origin: germline. Affected: no.

Clinical Genetics DNA and cytogenetics Diagnostics Lab, Erasmus MC, Erasmus Medical Center
Classification: Likely benign. Review status: no assertion criteria provided. Collection method: clinical testing. Allele origin: germline. Affected: yes. Study: VKGL Data-share Consensus. Not counted in ClinVar's aggregate classification.

Clinical Genetics, Academic Medical Center
Classification: Benign. Review status: no assertion criteria provided. Collection method: clinical testing. Allele origin: germline. Affected: yes. Study: VKGL Data-share Consensus. Not counted in ClinVar's aggregate classification.

Genome Diagnostics Laboratory, University Medical Center Utrecht
Classification: Benign. Review status: no assertion criteria provided. Collection method: clinical testing. Allele origin: germline. Affected: yes. Study: VKGL Data-share Consensus. Not counted in ClinVar's aggregate classification.